The following is an entry in ClinVar:

NM_004415.4(DSP):c.5642T>C (p.Ile1881Thr)

Gene: DSP (desmoplakin; plus strand). Cytogenetic location: 6p24.3.
Variant type: single nucleotide variant.
Coding change: c.5642T>C on transcript NM_004415.4 (MANE Select); coding-DNA position 5642, T replaced by C.
Protein change: p.Ile1881Thr; replaces isoleucine 1881 with threonine.
Molecular consequence: missense variant.
Genome position (GRCh38, 1-based): chr6:7,582,904, T>C. VCF-style: chr6-7582904-T-C. GRCh37 (hg19) VCF-style: chr6-7583137-T-C.
Other names: c.3845T>C, p.Ile1282Thr (NM_001008844.3); c.4313T>C, p.Ile1438Thr (NM_001319034.2); short protein forms I1282T, I1438T, I1881T.
Identifiers: ClinVar variation 928168 (VCV000928168.14), dbSNP rs1192963820, ClinGen allele CA362689082.
Genomic context (GRCh38, chr6:7,582,904, plus strand): 5'-AGAATGACCTGAATCAGTGGAAGACTCAATATTCCCGCAAGGAGGAGGCTATTAGGAAGA[T>C]AGAATCGGAAAGAGAAAAGAGTGAGAGAGAGAAGAACAGTCTTAGGAGTGAGATCGAAAG-3'
Protein context (NP_004406.2, residues 1871-1891): YSRKEEAIRK[Ile1881Thr]ESEREKSERE

ClinVar aggregate classification (germline): Uncertain significance. Review status: criteria provided, multiple submitters, no conflicts (2 of 4 stars). 4 submissions from 4 submitters: Uncertain significance (4). Last evaluated 2025-06-23.

Conditions:
Cardiovascular phenotype. Identifiers: MedGen CN230736.
Arrhythmogenic cardiomyopathy with wooly hair and keratoderma. Also called: PALMOPLANTAR KERATODERMA WITH LEFT VENTRICULAR CARDIOMYOPATHY AND WOOLLY HAIR; Carvajal syndrome; Dilated cardiomyopathy with woolly hair and keratoderma; Arrhythmogenic cardiomyopathy with woolly hair and keratoderma. Identifiers: Orphanet 65282, MedGen C1854063, MONDO:0011581, OMIM 605676.
Arrhythmogenic right ventricular dysplasia 8 (ARVD8). Also called: ARRHYTHMOGENIC RIGHT VENTRICULAR DYSPLASIA, FAMILIAL, 8; Arrhythmogenic Right Ventricular Dysplasia/Cardiomyopathy 8; ARRHYTHMOGENIC RIGHT VENTRICULAR CARDIOMYOPATHY 8. Identifiers: MedGen C1843896, MONDO:0011831, OMIM 607450.
Cardiomyopathy (CMYO). Also called: Cardiomyopathies. Identifiers: Orphanet 167848, MedGen C0878544, MONDO:0004994, HP:0001638. Inheritance: Various modes of inheritance.

Allele frequency attached by ClinVar (database versions not stated): gnomAD exomes below 0.00001 and 0.00001; TOPMed below 0.00001.
gnomAD v4.1: 14 of 1,613,892 alleles (0.00087%); highest among the groups gnomAD compares: South Asian, 0.0044%; no homozygotes.

Submissions (4):

Victorian Clinical Genetics Services, Murdoch Childrens Research Institute
Classification: Uncertain significance for Arrhythmogenic cardiomyopathy with wooly hair and keratoderma. Last evaluated: 2025-06-23. Review status: criteria provided, single submitter. Criteria: ACMG Guidelines, 2015. Collection method: clinical testing. Allele origin: germline. Affected: yes.
Comment: This variant is classified as VUS-3B. Evidence in support of pathogenic classification: Variant is present in gnomAD <0.01 (v4: 14 heterozygote(s), 0 homozygote(s)). Evidence in support of benign classification: Missense variant predicted to be tolerated by in silico tool(s) or not conserved in placental mammals with a minor amino acid change. Additional information: Variant is predicted to result in a missense amino acid change from isoleucine to threonine; This variant is heterozygous; This gene is associated with both recessive and dominant disease. Variants in this gene are usually inherited in a dominant manner; however, there are rare reports of recessive inheritance resulting in a more severe cardiac phenotype (OMIM); Previous evidence of pathogenicity for this variant is inconclusive. This variant has been classified as a VUS by clinical laboratories in ClinVar, and reported in the literature in an individual with arrhythmogenic cardiomyopathy (PMID: 36008935); No published segregation evidence has been identified for this variant; No published functional evidence has been identified for this variant; No comparable missense variants have previous evidence for pathogenicity; Variant is located in the annotated Rod domain (PMID: 26585738); Loss of function is a known mechanism of disease in this gene and is associated with arrhythmogenic right ventricular dysplasia 8 (MIM#607450) and other DSP-related cardiac disorders; The condition associated with this gene has incomplete penetrance. In families with cardiomyopathies, reduced penetrance has been reported among family members aged 60-86 years (PMID: 36580316); Variants in this gene are known to have variable expressivity. Age-dependent penetrance and variable expressivity are well-described aspects of arrhythmogenic cardiomyopathy (PMID: 29062697); Inheritance information for this variant is not currently available in this individual.

Ambry Genetics
Classification: Uncertain significance for Cardiovascular phenotype. Last evaluated: 2024-11-27. Review status: criteria provided, single submitter. Criteria: Ambry Variant Classification Scheme 2023. Collection method: clinical testing. Allele origin: germline.
Comment: The p.I1881T variant (also known as c.5642T>C), located in coding exon 24 of the DSP gene, results from a T to C substitution at nucleotide position 5642. The isoleucine at codon 1881 is replaced by threonine, an amino acid with similar properties. This variant was reported in individual(s) with features consistent with arrhythmogenic cardiomyopathy (Lippi M et al. Biomolecules, 2022 Jul;12:[ePub ahead of print]). This amino acid position is not well conserved in available vertebrate species. In addition, this alteration is predicted to be tolerated by in silico analysis. Based on the available evidence, the clinical significance of this variant remains unclear.

Labcorp Genetics (formerly Invitae), Labcorp
Classification: Uncertain significance for Arrhythmogenic cardiomyopathy with wooly hair and keratoderma; Arrhythmogenic right ventricular dysplasia 8. Last evaluated: 2024-08-08. Review status: criteria provided, single submitter. Criteria: Invitae Variant Classification Sherloc (09022015). Collection method: clinical testing. Allele origin: germline.
Comment: This sequence change replaces isoleucine, which is neutral and non-polar, with threonine, which is neutral and polar, at codon 1881 of the DSP protein (p.Ile1881Thr). This variant is present in population databases (no rsID available, gnomAD 0.0009%). This variant has not been reported in the literature in individuals affected with DSP-related conditions. ClinVar contains an entry for this variant (Variation ID: 928168). An algorithm developed to predict the effect of missense changes on protein structure and function (PolyPhen-2) suggests that this variant¬¨‚Ä†is likely to be tolerated. In summary, the available evidence is currently insufficient to determine the role of this variant in disease. Therefore, it has been classified as a Variant of Uncertain Significance.

Color Diagnostics, LLC DBA Color Health
Classification: Uncertain significance for Cardiomyopathy. Last evaluated: 2024-03-06. Review status: criteria provided, single submitter. Criteria: ACMG Guidelines, 2015. Collection method: clinical testing. Allele origin: germline.
Comment: This missense variant replaces isoleucine with threonine at codon 1881 of the DSP protein. Computational prediction suggests that this variant may not impact protein structure and function (internally defined REVEL score threshold <= 0.5, PMID: 27666373). To our knowledge, functional studies have not been reported for this variant. This variant has not been reported in individuals affected with cardiovascular disorders in the literature. This variant has been identified in 1/251354 chromosomes in the general population by the Genome Aggregation Database (gnomAD). The available evidence is insufficient to determine the role of this variant in disease conclusively. Therefore, this variant is classified as a Variant of Uncertain Significance.

Literature cited by the submitters: PubMed 26585738 (cited by Victorian Clinical Genetics Services, Murdoch Childrens Research Institute); PubMed 36580316 (cited by Victorian Clinical Genetics Services, Murdoch Childrens Research Institute); PubMed 29062697 (cited by Victorian Clinical Genetics Services, Murdoch Childrens Research Institute); PubMed 36008935 (cited by Victorian Clinical Genetics Services, Murdoch Childrens Research Institute and Ambry Genetics).